The following is an entry in ClinVar:

ClinVar aggregate classification (germline): Uncertain significance. Review status: criteria provided, multiple submitters, no conflicts (2 of 4 stars). 2 submissions from 2 submitters: Uncertain significance (2). Last evaluated 2025-10-22.

gnomAD v4.1: 1 of 1,614,174 alleles (0.000062%); highest among the groups gnomAD compares: Non-Finnish European, 0.000085%; no homozygotes.

Submissions (2):

Ambry Genetics
Classification: Uncertain significance. Last evaluated: 2025-10-22. Review status: criteria provided, single submitter. Criteria: Ambry Variant Classification Scheme 2023. Collection method: clinical testing. Allele origin: germline.

Labcorp Genetics (formerly Invitae), Labcorp
Classification: Uncertain significance. Last evaluated: 2022-06-02. Review status: criteria provided, single submitter. Criteria: Invitae Variant Classification Sherloc (09022015). Collection method: clinical testing. Allele origin: germline.
Comment: This sequence change replaces glycine, which is neutral and non-polar, with alanine, which is neutral and non-polar, at codon 512 of the SLCO5A1 protein (p.Gly512Ala). In summary, the available evidence is currently insufficient to determine the role of this variant in disease. Therefore, it has been classified as a Variant of Uncertain Significance. Algorithms developed to predict the effect of sequence changes on RNA splicing suggest that this variant may disrupt the consensus splice site. Algorithms developed to predict the effect of missense changes on protein structure and function are either unavailable or do not agree on the potential impact of this missense change (SIFT: "Tolerated"; PolyPhen-2: "Possibly Damaging"; Align-GVGD: "Class C0"). This variant has not been reported in the literature in individuals affected with SLCO5A1-related conditions. This variant is not present in population databases (gnomAD no frequency).

NM_030958.3(SLCO5A1):c.1535G>C (p.Gly512Ala)

Gene: SLCO5A1 (solute carrier organic anion transporter family member 5A1; minus strand). Cytogenetic location: 8q13.3.
Variant type: single nucleotide variant.
Coding change: c.1535G>C on transcript NM_030958.3 (MANE Select); coding-DNA position 1535, G replaced by C.
Protein change: p.Gly512Ala; replaces glycine 512 with alanine.
Molecular consequence: missense variant.
Genome position (GRCh38, 1-based): chr8:69,705,118, C>G on the plus strand (G>C on the coding strand, the complement: SLCO5A1 is on the minus strand). VCF-style: chr8-69705118-C-G. GRCh37 (hg19) VCF-style: chr8-70617353-C-G.
Other names: c.1535G>C (NM_030958.2); c.1535G>C, p.Gly512Ala (NM_001146008.2); c.1370G>C, p.Gly457Ala (NM_001146009.1); short protein forms G512A, G457A.
Identifiers: ClinVar variation 2106259 (VCV002106259.5), dbSNP rs1586704388, ClinGen allele CA371227350.